The following is an entry in ClinVar:

ClinVar aggregate classification (germline): Likely pathogenic (0 of 4 stars; one submission).

Conditions:
Kabuki syndrome 2 (KABUK2). Also called: KDM6A-Related Kabuki Syndrome. Identifiers: Orphanet 2322, MedGen C3275495, MONDO:0010465, OMIM 300867.

Submission:

Diagnostics Centre, Carl Von Ossietzky University Oldenburg
Classification: Likely pathogenic for Kabuki syndrome 2. Last evaluated: 2025-05-19. Review status: no assertion criteria provided. Collection method: clinical testing. Allele origin: germline. Affected: yes. Observed: 1 variant allele.
Comment: The variant KDM6A:c.1123_1133del p.(Tyr375Asnfs*2) results from a deletion at nucleotide position c.1123_1133. This leads to a frameshift at protein position 375 and the formation of a premature stop codon after two amino acids. The variant affects an exon [12/29] present in biologically relevant transcript and is predicted to cause protein truncation/absent due to nonsense mediated decay in a gene where loss-of-function is a known mechanism of disease. This variant has not yet been described in ClinVar or any other scientific publication known to us. The variant is classified as very rare since it is absent in gnomAD v4.1.0. In summary, this variant is classified as likely pathogenic.

NM_001291415.2(KDM6A):c.1123_1133del (p.Tyr375fs)

Gene: KDM6A (lysine demethylase 6A; plus strand). Cytogenetic location: Xp11.3.
Variant type: Deletion.
Coding change: c.1123_1133del on transcript NM_001291415.2 (MANE Select); coding-DNA positions 1123 to 1133, 11 bases deleted (TACTTAAATGC).
Protein change: p.Tyr375fs; shifts the reading frame from tyrosine 375.
Molecular consequence: frameshift variant. On other transcripts: non-coding transcript variant (1).
Genome position (GRCh38, 1-based): chrX:45,059,395-45,059,405, TACTTAAATGC deleted; deleting any 11 consecutive bases within chrX:45,059,387-45,059,405 gives the same sequence; the c. name uses the placement nearest the transcript's 3' end. VCF-style (leftmost placement, unchanged base first): chrX-45059386-ATTAAATGCTAC-A. GRCh37 (hg19) VCF-style: chrX-44918631-ATTAAATGCTAC-A.
Other names: c.1123_1133del, p.Tyr375fs (NM_001291416.2, NM_001291417.2, NM_001291418.2 and 9 more transcripts); c.370_380del, p.Tyr124fs (NM_001291421.2); short protein forms Y124fs, Y375fs.
Identifiers: ClinVar variation 4530645 (VCV004530645.1).
Genomic context (GRCh38, chrX:45,059,386, plus strand): 5'-GCTGCAGCCTGGATGGACCTAGGCACTCTCTATGAATCCTGCAACCAGCCTCAGGATGCC[ATTAAATGCTAC>A]TTAAATGCAACTAGAAGCAAAAGTTGTAGTAATACCTCTGCACTTGCAGCACGAATTAAG-3'